The following is an entry in ClinVar:

NM_152384.3(BBS5):c.674C>G (p.Ser225Cys)

Gene: BBS5 (Bardet-Biedl syndrome 5; plus strand). Cytogenetic location: 2q31.1.
Variant type: single nucleotide variant.
Coding change: c.674C>G on transcript NM_152384.3 (MANE Select); coding-DNA position 674, C replaced by G.
Protein change: p.Ser225Cys; replaces serine 225 with cysteine.
Molecular consequence: missense variant.
Genome position (GRCh38, 1-based): chr2:169,497,682, C>G. VCF-style: chr2-169497682-C-G. GRCh37 (hg19) VCF-style: chr2-170354192-C-G.
Other names: short protein forms S225C.
Identifiers: ClinVar variation 1053051 (VCV001053051.7), dbSNP rs776533440, ClinGen allele CA349166547.

ClinVar aggregate classification (germline): Uncertain significance (1 of 4 stars; one submission).

Conditions:
Bardet-Biedl syndrome (BBS). Identifiers: Orphanet 110, MedGen C0752166, MONDO:0015229.

gnomAD v4.1: 9 of 1,585,652 alleles (0.00057%); highest among the groups gnomAD compares: Non-Finnish European, 0.00078%; no homozygotes.

Submission:

Labcorp Genetics (formerly Invitae), Labcorp
Classification: Uncertain significance for Bardet-Biedl syndrome. Last evaluated: 2022-07-25. Review status: criteria provided, single submitter. Criteria: Invitae Variant Classification Sherloc (09022015). Collection method: clinical testing. Allele origin: germline.
Comment: This sequence change replaces serine, which is neutral and polar, with cysteine, which is neutral and slightly polar, at codon 225 of the BBS5 protein (p.Ser225Cys). This variant is not present in population databases (gnomAD no frequency). This variant has not been reported in the literature in individuals affected with BBS5-related conditions. ClinVar contains an entry for this variant (Variation ID: 1053051). Algorithms developed to predict the effect of missense changes on protein structure and function are either unavailable or do not agree on the potential impact of this missense change (SIFT: "Deleterious"; PolyPhen-2: "Benign"; Align-GVGD: "Class C15"). In summary, the available evidence is currently insufficient to determine the role of this variant in disease. Therefore, it has been classified as a Variant of Uncertain Significance.